The following is an entry in ClinVar:

ClinVar aggregate classification (germline): Likely benign. Review status: criteria provided, multiple submitters, no conflicts (2 of 4 stars). 2 submissions from 2 submitters: Likely benign (2). Last evaluated 2025-03-17.

Conditions:
Spastic paraplegia. Identifiers: MedGen C0037772, HP:0001258.

Allele frequency attached by ClinVar (database versions not stated): gnomAD exomes 0.00001; gnomAD 0.00002; ExAC 0.00004; TOPMed 0.00005.
gnomAD v4.1: 7 of 1,209,567 alleles (0.00058%); highest among the groups gnomAD compares: Non-Finnish European, 0.00067%; no homozygotes.

Submissions (2):

Mayo Clinic Laboratories, Mayo Clinic
Classification: Likely benign. Last evaluated: 2025-03-17. Review status: criteria provided, single submitter. Criteria: ACMG Guidelines, 2015. Collection method: clinical testing. Allele origin: germline. Observed: 1 variant allele.
Comment: BP4, BP7

Labcorp Genetics (formerly Invitae), Labcorp
Classification: Likely benign for Spastic paraplegia. Last evaluated: 2023-08-16. Review status: criteria provided, single submitter. Criteria: Invitae Variant Classification Sherloc (09022015). Collection method: clinical testing. Allele origin: germline.

NM_004187.5(KDM5C):c.3507G>A (p.Ser1169=)

Gene: KDM5C (lysine demethylase 5C; minus strand). Cytogenetic location: Xp11.22.
Variant type: single nucleotide variant.
Coding change: c.3507G>A on transcript NM_004187.5 (MANE Select); coding-DNA position 3507, G replaced by A.
Protein change: p.Ser1169=; no amino-acid change (serine 1169 retained).
Molecular consequence: synonymous variant. On other transcripts: non-coding transcript variant (3).
Genome position (GRCh38, 1-based): chrX:53,194,670, C>T on the plus strand (G>A on the coding strand, the complement: KDM5C is on the minus strand). VCF-style: chrX-53194670-C-T. GRCh37 (hg19) VCF-style: chrX-53223852-C-T.
Other names: p.Ser1169=; c.3306G>A, p.Ser1102= (NM_001146702.2); c.3504G>A, p.Ser1168= (NM_001282622.3, NM_001353979.2, NM_001353982.2); c.3507G>A, p.Ser1169= (NM_001353978.3, NM_001353981.2, NM_001353984.2); c.3507G>A (NM_004187.4).
Identifiers: ClinVar variation 2763266 (VCV002763266.4), dbSNP rs782292187, ClinGen allele CA10419213.